The following is an entry in ClinVar:

NM_004204.5(PIGQ):c.1416+3G>A

Gene: PIGQ (phosphatidylinositol glycan anchor biosynthesis class Q; plus strand). Cytogenetic location: 16p13.3.
Variant type: single nucleotide variant.
Coding change: c.1416+3G>A on transcript NM_004204.5 (MANE Select); 3 bases into the intron after coding-DNA position 1416, G replaced by A.
Molecular consequence: intron variant.
Genome position (GRCh38, 1-based): chr16:580,266, G>A. VCF-style: chr16-580266-G-A. GRCh37 (hg19) VCF-style: chr16-630266-G-A.
Other names: c.1416+3G>A (NM_148920.4).
Identifiers: ClinVar variation 954691 (VCV000954691.7), dbSNP rs763735684, ClinGen allele CA1139664221.
Genomic context (GRCh38, chr16:580,266, plus strand): 5'-CACCATCCTGCTCTTCCTCCTGCCTACCACAGCCCTGTACTACCTGGTGTTCACCCTGGT[G>A]AGCTGAGCACCCACAGGCTGGGCCTGGCTGCAGTGCTCTGTGTGGCTTCTGCCAGCGCTG-3'

ClinVar aggregate classification (germline): Uncertain significance (1 of 4 stars; one submission).

Conditions:
Epilepsy. Also called: Seizure disorder. Identifiers: MedGen C0014544, MeSH D004827, MONDO:0005027.

Submission:

Labcorp Genetics (formerly Invitae), Labcorp
Classification: Uncertain significance for Epilepsy. Last evaluated: 2019-09-01. Review status: criteria provided, single submitter. Criteria: Invitae Variant Classification Sherloc (09022015). Collection method: clinical testing. Allele origin: germline.
Comment: In summary, the available evidence is currently insufficient to determine the role of this variant in disease. Therefore, it has been classified as a Variant of Uncertain Significance. Nucleotide substitutions within the consensus splice site are a relatively common cause of aberrant splicing (PMID: 17576681, 9536098). Algorithms developed to predict the effect of sequence changes on RNA splicing suggest that this variant is not likely to affect RNA splicing, but this prediction has not been confirmed by published transcriptional studies. This variant has not been reported in the literature in individuals with PIGQ-related conditions. This variant is not present in population databases (ExAC no frequency). This sequence change falls in intron 8 of the PIGQ gene. It does not directly change the encoded amino acid sequence of the PIGQ protein, but it affects a nucleotide within the consensus splice site of the intron.

Literature cited by the submitters: PubMed 17576681; PubMed 9536098.